The following is an entry in ClinVar:

ClinVar aggregate classification (germline): Uncertain significance (1 of 4 stars; one submission).

Conditions:
Fanconi anemia (FA). Also called: Fanconi's anemia. Identifiers: Orphanet 84, MedGen C0015625, MeSH D005199, MONDO:0019391.

gnomAD v4.1: 3 of 1,613,920 alleles (0.00019%); no homozygotes.

Submission:

Labcorp Genetics (formerly Invitae), Labcorp
Classification: Uncertain significance for Fanconi anemia. Last evaluated: 2025-02-25. Review status: criteria provided, single submitter. Criteria: Invitae Variant Classification Sherloc (09022015). Collection method: clinical testing. Allele origin: germline.
Comment: This sequence change replaces proline, which is neutral and non-polar, with alanine, which is neutral and non-polar, at codon 1477 of the SLX4 protein (p.Pro1477Ala). This variant is not present in population databases (gnomAD no frequency). This variant has not been reported in the literature in individuals affected with SLX4-related conditions. ClinVar contains an entry for this variant (Variation ID: 2156030). An algorithm developed to predict the effect of missense changes on protein structure and function (PolyPhen-2) suggests that this variant is likely to be disruptive. In summary, the available evidence is currently insufficient to determine the role of this variant in disease. Therefore, it has been classified as a Variant of Uncertain Significance.

NM_032444.4(SLX4):c.4429C>G (p.Pro1477Ala)

Gene: SLX4 (SLX4 structure-specific endonuclease subunit; minus strand). Cytogenetic location: 16p13.3.
Variant type: single nucleotide variant.
Coding change: c.4429C>G on transcript NM_032444.4 (MANE Select); coding-DNA position 4429, C replaced by G.
Protein change: p.Pro1477Ala; replaces proline 1477 with alanine.
Molecular consequence: missense variant.
Genome position (GRCh38, 1-based): chr16:3,589,209, G>C on the plus strand (C>G on the coding strand, the complement: SLX4 is on the minus strand). VCF-style: chr16-3589209-G-C. GRCh37 (hg19) VCF-style: chr16-3639210-G-C.
Other names: short protein forms P1477A.
Identifiers: ClinVar variation 2156030 (VCV002156030.4), dbSNP rs912385590, ClinGen allele CA394517161.